The following is an entry in ClinVar:

ClinVar aggregate classification (germline): Uncertain significance (1 of 4 stars; one submission).

gnomAD v4.1: 6 of 1,613,940 alleles (0.00037%); highest among the groups gnomAD compares: Non-Finnish European, 0.00051%; no homozygotes.

Submission:

Labcorp Genetics (formerly Invitae), Labcorp
Classification: Uncertain significance. Last evaluated: 2023-07-10. Review status: criteria provided, single submitter. Criteria: Invitae Variant Classification Sherloc (09022015). Collection method: clinical testing. Allele origin: germline.
Comment: In summary, the available evidence is currently insufficient to determine the role of this variant in disease. Therefore, it has been classified as a Variant of Uncertain Significance. An algorithm developed to predict the effect of missense changes on protein structure and function (PolyPhen-2) suggests that this variant is likely to be disruptive. ClinVar contains an entry for this variant (Variation ID: 1950288). This variant has not been reported in the literature in individuals affected with HYOU1-related conditions. This variant is present in population databases (no rsID available, gnomAD 0.0009%). This sequence change replaces threonine, which is neutral and polar, with serine, which is neutral and polar, at codon 483 of the HYOU1 protein (p.Thr483Ser).

NM_006389.5(HYOU1):c.1447A>T (p.Thr483Ser)

Gene: HYOU1 (hypoxia up-regulated 1; minus strand). Cytogenetic location: 11q23.3.
Variant type: single nucleotide variant.
Coding change: c.1447A>T on transcript NM_006389.5 (MANE Select); coding-DNA position 1447, A replaced by T.
Protein change: p.Thr483Ser; replaces threonine 483 with serine.
Molecular consequence: missense variant.
Genome position (GRCh38, 1-based): chr11:119,051,517, T>A on the plus strand (A>T on the coding strand, the complement: HYOU1 is on the minus strand). VCF-style: chr11-119051517-T-A. GRCh37 (hg19) VCF-style: chr11-118922229-T-A.
Other names: c.1447A>T, p.Thr483Ser (NM_001130991.3, NM_001411041.1); short protein forms T483S.
Identifiers: ClinVar variation 1950288 (VCV001950288.5), dbSNP rs1249384150, ClinGen allele CA382937528.